The following is an entry in ClinVar:

NM_170707.4(LMNA):c.357-4021G>A

Gene: LMNA (lamin A/C; plus strand). Cytogenetic location: 1q22.
Variant type: single nucleotide variant.
Coding change: c.357-4021G>A on transcript NM_170707.4 (MANE Select); 4021 bases into the intron before coding-DNA position 357, G replaced by A.
Molecular consequence: intron variant.
Genome position (GRCh38, 1-based): chr1:156,126,596, G>A. VCF-style: chr1-156126596-G-A. GRCh37 (hg19) VCF-style: chr1-156096387-G-A.
Other names: c.357-4021G>A (NM_001282625.2, NM_001282626.2, NM_170708.4 and 2 more transcripts); c.20+373G>A (NM_001257374.3); c.-67-140G>A (NM_001282624.2).
Identifiers: ClinVar variation 672778 (VCV000672778.3), dbSNP rs593987, ClinGen allele CA052785.

ClinVar aggregate classification (germline): Benign. Review status: criteria provided, multiple submitters, no conflicts (2 of 4 stars). 3 submissions from 3 submitters: Benign (3). Last evaluated 2025-04-09.

Allele frequency attached by ClinVar (database versions not stated): gnomAD exomes 0.05652; ESP Exome Variant Server 0.10409; gnomAD 0.10426 and 0.10778; ExAC 0.11011; 1000 Genomes Project 0.11182; TOPMed 0.11265; 1000 Genomes Project 30x 0.11665.
gnomAD v4.1: 55,862 of 894,986 alleles (6.2%); highest among the groups gnomAD compares: African/African-American, 25%; 3,271 homozygotes.

Submissions (3):

Molecular Diagnostic Laboratory for Inherited Cardiovascular Disease, Montreal Heart Institute
Classification: Benign. Last evaluated: 2025-04-09. Review status: criteria provided, single submitter. Criteria: ACMG Guidelines, 2015. Collection method: clinical testing. Allele origin: germline. Affected: no.

GeneDx
Classification: Benign. Last evaluated: 2018-06-14. Review status: criteria provided, single submitter. Criteria: GeneDx Variant Classification (06012015). Collection method: clinical testing. Allele origin: germline. Affected: yes.
Comment: This variant is considered likely benign or benign based on one or more of the following criteria: it is a conservative change, it occurs at a poorly conserved position in the protein, it is predicted to be benign by multiple in silico algorithms, and/or has population frequency not consistent with disease.

Breakthrough Genomics
Classification: Benign. Review status: criteria provided, single submitter. Criteria: ACMG Guidelines, 2015. Collection method: not provided. Allele origin: germline. Inheritance: Autosomal recessive inheritance. Affected: yes.